The following is an entry in ClinVar:

NM_000130.5(F5):c.4892G>A (p.Arg1631His)

Gene: F5 (coagulation factor V; minus strand). Cytogenetic location: 1q24.2.
Variant type: single nucleotide variant.
Coding change: c.4892G>A on transcript NM_000130.5 (MANE Select); coding-DNA position 4892, G replaced by A.
Protein change: p.Arg1631His; replaces arginine 1631 with histidine.
Molecular consequence: missense variant.
Genome position (GRCh38, 1-based): chr1:169,536,585, C>T on the plus strand (G>A on the coding strand, the complement: F5 is on the minus strand). VCF-style: chr1-169536585-C-T. GRCh37 (hg19) VCF-style: chr1-169505823-C-T.
Other names: short protein forms R1631H.
Identifiers: ClinVar variation 2636145 (VCV002636145.1), dbSNP rs1388829757, ClinGen allele CA343137586.

ClinVar aggregate classification (germline): Uncertain significance (1 of 4 stars; one submission).

Conditions:
F5-related disorder. Also called: F5-related condition.

Allele frequency attached by ClinVar (database versions not stated): gnomAD 0.00001; gnomAD exomes 0.00001.
gnomAD v4.1: 22 of 1,613,424 alleles (0.0014%); highest among the groups gnomAD compares: Non-Finnish European, 0.0016%; no homozygotes.

Submission:

PreventionGenetics, part of Exact Sciences
Classification: Uncertain significance for F5-related condition. Last evaluated: 2023-06-16. Review status: criteria provided, single submitter. Criteria: ACMG Guidelines, 2015. Collection method: clinical testing. Allele origin: germline.
Comment: The F5 c.4892G>A variant is predicted to result in the amino acid substitution p.Arg1631His. To our knowledge, this variant has not been reported in the literature. This variant is reported in 0.0040% of alleles in individuals of African descent in gnomAD. At this time, the clinical significance of this variant is uncertain due to the absence of conclusive functional and genetic evidence.